The following is an entry in ClinVar:

NM_015559.3(SETBP1):c.3877A>G (p.Ser1293Gly)

Gene: SETBP1 (SET binding protein 1; plus strand). Cytogenetic location: 18q12.3.
Variant type: single nucleotide variant.
Coding change: c.3877A>G on transcript NM_015559.3 (MANE Select); coding-DNA position 3877, A replaced by G.
Protein change: p.Ser1293Gly; replaces serine 1293 with glycine.
Molecular consequence: missense variant.
Genome position (GRCh38, 1-based): chr18:44,953,217, A>G. VCF-style: chr18-44953217-A-G. GRCh37 (hg19) VCF-style: chr18-42533182-A-G.
Other names: c.3877A>G, p.Ser1293Gly (NM_001379141.1, NM_001379142.1, NM_001410862.1); short protein forms S1293G.
Identifiers: ClinVar variation 2908606 (VCV002908606.3), dbSNP rs2071406054, ClinGen allele CA402325383.

ClinVar aggregate classification (germline): Uncertain significance (1 of 4 stars; one submission).

Allele frequency attached by ClinVar (database versions not stated): gnomAD exomes below 0.00001; TOPMed 0.00001.
gnomAD v4.1: 1 of 1,614,170 alleles (0.000062%); highest among the groups gnomAD compares: Non-Finnish European, 0.000085%; no homozygotes.

Submission:

Labcorp Genetics (formerly Invitae), Labcorp
Classification: Uncertain significance. Last evaluated: 2024-09-27. Review status: criteria provided, single submitter. Criteria: Invitae Variant Classification Sherloc (09022015). Collection method: clinical testing. Allele origin: germline.
Comment: This sequence change replaces serine, which is neutral and polar, with glycine, which is neutral and non-polar, at codon 1293 of the SETBP1 protein (p.Ser1293Gly). This variant is not present in population databases (gnomAD no frequency). This variant has not been reported in the literature in individuals affected with SETBP1-related conditions. Invitae Evidence Modeling of protein sequence and biophysical properties (such as structural, functional, and spatial information, amino acid conservation, physicochemical variation, residue mobility, and thermodynamic stability) indicates that this missense variant is not expected to disrupt SETBP1 protein function with a negative predictive value of 80%. In summary, the available evidence is currently insufficient to determine the role of this variant in disease. Therefore, it has been classified as a Variant of Uncertain Significance.